The following is an entry in ClinVar:

ClinVar aggregate classification (germline): Uncertain significance. Review status: criteria provided, multiple submitters, no conflicts (2 of 4 stars). 2 submissions from 2 submitters: Uncertain significance (2). Last evaluated 2025-11-10.

Conditions:
Cardiovascular phenotype. Identifiers: MedGen CN230736.
Brugada syndrome 8 (BRGDA8). Identifiers: Orphanet 130, MedGen C2751083, MONDO:0013148, OMIM 613123.

Allele frequency attached by ClinVar (database versions not stated): gnomAD 0.00001.
gnomAD v4.1: 2 of 1,334,288 alleles (0.00015%); highest among the groups gnomAD compares: Non-Finnish European, 0.00019%; no homozygotes.

Submissions (2):

Labcorp Genetics (formerly Invitae), Labcorp
Classification: Uncertain significance for Brugada syndrome 8. Last evaluated: 2025-11-10. Review status: criteria provided, single submitter. Criteria: Invitae Variant Classification Sherloc (09022015). Collection method: clinical testing. Allele origin: germline.
Comment: This sequence change replaces alanine, which is neutral and non-polar, with threonine, which is neutral and polar, at codon 162 of the HCN4 protein (p.Ala162Thr). This variant is not present in population databases (gnomAD no frequency). This variant has not been reported in the literature in individuals affected with HCN4-related conditions. ClinVar contains an entry for this variant (Variation ID: 1401637). Invitae Evidence Modeling of protein sequence and biophysical properties (such as structural, functional, and spatial information, amino acid conservation, physicochemical variation, residue mobility, and thermodynamic stability) indicates that this missense variant is not expected to disrupt HCN4 protein function with a negative predictive value of 95%. In summary, the available evidence is currently insufficient to determine the role of this variant in disease. Therefore, it has been classified as a Variant of Uncertain Significance.

Ambry Genetics
Classification: Uncertain significance for Cardiovascular phenotype. Last evaluated: 2025-08-19. Review status: criteria provided, single submitter. Criteria: Ambry Variant Classification Scheme 2023. Collection method: clinical testing. Allele origin: germline.
Comment: The p.A162T variant (also known as c.484G>A), located in coding exon 1 of the HCN4 gene, results from a G to A substitution at nucleotide position 484. The alanine at codon 162 is replaced by threonine, an amino acid with similar properties. This amino acid position is conserved. In addition, this alteration is predicted to be tolerated by in silico analysis. Based on the available evidence, the clinical significance of this variant remains unclear.

NM_005477.3(HCN4):c.484G>A (p.Ala162Thr)

Gene: HCN4 (hyperpolarization activated cyclic nucleotide gated potassium channel 4; minus strand). Cytogenetic location: 15q24.1.
Variant type: single nucleotide variant.
Coding change: c.484G>A on transcript NM_005477.3 (MANE Select); coding-DNA position 484, G replaced by A.
Protein change: p.Ala162Thr; replaces alanine 162 with threonine.
Molecular consequence: missense variant.
Genome position (GRCh38, 1-based): chr15:73,367,787, C>T on the plus strand (G>A on the coding strand, the complement: HCN4 is on the minus strand). VCF-style: chr15-73367787-C-T. GRCh37 (hg19) VCF-style: chr15-73660128-C-T.
Other names: c.484G>A (NM_005477.2); short protein forms A162T.
Identifiers: ClinVar variation 1401637 (VCV001401637.9), dbSNP rs1567801801, ClinGen allele CA393097881.